The following is an entry in ClinVar:

NM_002734.5(PRKAR1A):c.325G>C (p.Asp109His)

Gene: PRKAR1A (protein kinase cAMP-dependent type I regulatory subunit alpha; plus strand). Cytogenetic location: 17q24.2.
Variant type: single nucleotide variant.
Coding change: c.325G>C on transcript NM_002734.5 (MANE Select); coding-DNA position 325, G replaced by C.
Protein change: p.Asp109His; replaces aspartic acid 109 with histidine.
Molecular consequence: missense variant.
Genome position (GRCh38, 1-based): chr17:68,522,903, G>C. VCF-style: chr17-68522903-G-C. GRCh37 (hg19) VCF-style: chr17-66519044-G-C.
Other names: c.325G>C, p.Asp109His (NM_001276289.2, NM_001276290.1, NM_001278433.2 and 4 more transcripts); short protein forms D109H.
Identifiers: ClinVar variation 3693018 (VCV003693018.2).

ClinVar aggregate classification (germline): Uncertain significance (1 of 4 stars; one submission).

Conditions:
Carney complex, type 1 (CNC1). Also called: CARNEY COMPLEX, TYPE I; CARNEY MYXOMA-ENDOCRINE COMPLEX. Identifiers: Orphanet 1359, MedGen C2607929, MONDO:0008057, OMIM 160980.

Submission:

Labcorp Genetics (formerly Invitae), Labcorp
Classification: Uncertain significance for Carney complex, type 1. Last evaluated: 2024-02-06. Review status: criteria provided, single submitter. Criteria: Invitae Variant Classification Sherloc (09022015). Collection method: clinical testing. Allele origin: germline.
Comment: This sequence change replaces aspartic acid, which is acidic and polar, with histidine, which is basic and polar, at codon 109 of the PRKAR1A protein (p.Asp109His). This variant is not present in population databases (gnomAD no frequency). This variant has not been reported in the literature in individuals affected with PRKAR1A-related conditions. Advanced modeling of protein sequence and biophysical properties (such as structural, functional, and spatial information, amino acid conservation, physicochemical variation, residue mobility, and thermodynamic stability) has been performed at Invitae for this missense variant, however the output from this modeling did not meet the statistical confidence thresholds required to predict the impact of this variant on PRKAR1A protein function. In summary, the available evidence is currently insufficient to determine the role of this variant in disease. Therefore, it has been classified as a Variant of Uncertain Significance.